The following is an entry in ClinVar:

ClinVar aggregate classification (germline): Pathogenic/Likely pathogenic. Review status: criteria provided, multiple submitters, no conflicts (2 of 4 stars). 6 submissions from 6 submitters: Pathogenic (4); Likely pathogenic (1). 1 of the submissions does not count toward it. Last evaluated 2026-02-03.

Conditions:
Hereditary cancer-predisposing syndrome. Also called: Tumor predisposition; Hereditary Cancer Syndrome; Neoplastic Syndromes, Hereditary; Hereditary neoplastic syndrome. Identifiers: Orphanet 140162, MedGen C0027672, MeSH D009386, MONDO:0015356.
Hereditary pheochromocytoma and paraganglioma. Also called: Hereditary Paraganglioma-Pheochromocytoma Syndromes; Hereditary paragangliomas and pheochromocytomas; Hereditary pheochromocytoma-paraganglioma. Identifiers: Orphanet 29072, MedGen C4274332, MONDO:0017366.

Allele frequency attached by ClinVar (database versions not stated): gnomAD exomes 0.00001 and 0.00002; ExAC 0.00002.
gnomAD v4.1: 7 of 1,614,136 alleles (0.00043%); highest among the groups gnomAD compares: Non-Finnish European, 0.00059%; no homozygotes.

Submissions (6):

Labcorp Genetics (formerly Invitae), Labcorp
Classification: Pathogenic for Hereditary pheochromocytoma and paraganglioma. Last evaluated: 2026-02-03. Review status: criteria provided, single submitter. Criteria: Invitae Variant Classification Sherloc (09022015). Collection method: clinical testing. Allele origin: germline.
Comment: This sequence change creates a premature translational stop signal (p.Trp55*) in the SDHAF2 gene. It is expected to result in an absent or disrupted protein product. Loss-of-function variants in SDHAF2 are known to be pathogenic (PMID: 22241717, 26096992). This variant is present in population databases (rs774508076, gnomAD 0.004%). This variant has not been reported in the literature in individuals affected with SDHAF2-related conditions. ClinVar contains an entry for this variant (Variation ID: 384524). For these reasons, this variant has been classified as Pathogenic.

GeneDx
Classification: Likely pathogenic. Last evaluated: 2024-11-14. Review status: criteria provided, single submitter. Criteria: GeneDx Variant Classification Process June 2021. Collection method: clinical testing. Allele origin: germline. Affected: yes.
Comment: Nonsense variant predicted to result in protein truncation or nonsense mediated decay in a gene for which loss of function is a known mechanism of disease; Not observed at significant frequency in large population cohorts (gnomAD); Has not been previously published as pathogenic or benign to our knowledge; This variant is associated with the following publications: (PMID: 36597280, 31687641)

All of Us Research Program, National Institutes of Health
Classification: Pathogenic for Hereditary pheochromocytoma and paraganglioma. Last evaluated: 2023-09-18. Review status: criteria provided, single submitter. Criteria: ACMG Guidelines, 2015. Collection method: clinical testing. Allele origin: germline. Inheritance: Autosomal dominant inheritance. Observed: 2 variant alleles, 2 heterozygotes.
Comment: This variant changes 1 nucleotide in exon 2 of the SDHAF2 gene, creating a premature translation stop signal. This variant is expected to result in an absent or non-functional protein product. This variant has not been reported in individuals affected with SDHAF2-like disorders, but a different variant with the same protein consequence (c.164G>A, p.Trp55*) has been observed in an individual with a bilateral carotid body tumor (PMID: 36597280). This variant has been identified in 5/251250 chromosomes in the general population by the Genome Aggregation Database (gnomAD). Loss-of-function variants in SDHAF2 are an expected mechanism of disease (PMID: 22241717, 26096992). Based on the available evidence, this variant is classified as Pathogenic.

This study involves interpretation of variants in research participants for the purpose of population health screening. Participant phenotype was not available at the time of variant classification. Additional details can be found in publication PMID: 35346344, PMCID: PMC8962531

Color Diagnostics, LLC DBA Color Health
Classification: Pathogenic for Hereditary pheochromocytoma and paraganglioma. Last evaluated: 2023-06-22. Review status: criteria provided, single submitter. Criteria: ACMG Guidelines, 2015. Collection method: clinical testing. Allele origin: germline.
Comment: This variant changes 1 nucleotide in exon 2 of the SDHAF2 gene, creating a premature translation stop signal. This variant is expected to result in an absent or non-functional protein product. This variant has not been reported in individuals affected with SDHAF2-like disorders, but a different variant with the same protein consequence (c.164G>A, p.Trp55*) has been observed in an individual with a bilateral carotid body tumor (PMID: 36597280). This variant has been identified in 5/251250 chromosomes in the general population by the Genome Aggregation Database (gnomAD). Loss-of-function variants in SDHAF2 are an expected mechanism of disease (PMID: 22241717, 26096992). Based on the available evidence, this variant is classified as Pathogenic.

Ambry Genetics
Classification: Pathogenic for Hereditary cancer-predisposing syndrome. Last evaluated: 2023-02-03. Review status: criteria provided, single submitter. Criteria: Ambry Variant Classification Scheme 2023. Collection method: clinical testing. Allele origin: germline.
Comment: The p.W55* pathogenic mutation (also known as c.165G>A), located in coding exon 2 of the SDHAF2 gene, results from a G to A substitution at nucleotide position 165. This changes the amino acid from a tryptophan to a stop codon within coding exon 2. This c.165G>A variant is considered to be rare based on population cohorts in the Genome Aggregation Database (gnomAD). In addition to the clinical data presented in the literature, this alteration is expected to result in loss of function by premature protein truncation or nonsense-mediated mRNA decay. As such, this alteration is interpreted as a disease-causing mutation.

Laboratory for Molecular Medicine, Mass General Brigham Personalized Medicine
Classification: Uncertain significance. Last evaluated: 2017-04-27. Review status: flagged submission. Criteria: LMM Criteria. Collection method: clinical testing. Allele origin: germline. Observed: 1 variant allele. Not counted in ClinVar's aggregate classification.
Comment: The p.Trp55X variant in SDHAF2 has not been previously reported in individuals w ith SDHAF2-associated hereditary paraganglioma-pheochromocytoma syndromes but ha s been identified in 3/66432 European chromosomes by the Exome Aggregation Conso rtium (ExAC; dbSNP rs774508076). This nonsense v ariant leads to a premature termination codon at position 55, which is predicted to lead to a truncated or absent protein. Although this variant is expected to severely impact the protein, the spectrum of disease-causing variants is not we ll defined for SDHAF2. In summary, the clinical significance of the p.Trp55X var iant is uncertain.
ClinVar note: Reason: Older and outlier claim with insufficient supporting evidence

Literature cited by the submitters: PubMed 22241717 (cited by 3 submitters); PubMed 26096992 (cited by 3 submitters); PubMed 36597280 (cited by 3 submitters).

NM_017841.4(SDHAF2):c.165G>A (p.Trp55Ter)

Gene: SDHAF2 (succinate dehydrogenase complex assembly factor 2; plus strand). Cytogenetic location: 11q12.2.
Variant type: single nucleotide variant.
Coding change: c.165G>A on transcript NM_017841.4 (MANE Select); coding-DNA position 165, G replaced by A.
Protein change: p.Trp55Ter; replaces tryptophan 55 with a stop codon.
Molecular consequence: nonsense.
Genome position (GRCh38, 1-based): chr11:61,437,753, G>A. VCF-style: chr11-61437753-G-A. GRCh37 (hg19) VCF-style: chr11-61205225-G-A.
Other names: short protein forms W55*.
Identifiers: ClinVar variation 384524 (VCV000384524.19), dbSNP rs774508076, ClinGen allele CA057875.